The following is an entry in ClinVar:

ClinVar aggregate classification (germline): Pathogenic/Likely pathogenic. Review status: criteria provided, multiple submitters, no conflicts (2 of 4 stars). 6 submissions from 6 submitters: Pathogenic (4); Likely pathogenic (1). 1 of the submissions does not count toward it. Last evaluated 2025-01-28.

Conditions:
Marfan syndrome (MFS). Also called: Marfan syndrome type 1; Marfan syndrome, classic; FBN1-Related Marfan Syndrome; Marfan's syndrome; MARFAN SYNDROME, TYPE I. Identifiers: Orphanet 284963, Orphanet 558, MedGen C0024796, MONDO:0007947, OMIM 154700.
Familial thoracic aortic aneurysm and aortic dissection (TAAD). Also called: Thoracic aortic aneurysms and dissections. Identifiers: Orphanet 91387, MedGen C4707243, MONDO:0019625.
Isolated thoracic aortic aneurysm.
FBN1-related disorder. Also called: FBN1-related disorders.
Marfan Syndrome/Loeys-Dietz Syndrome/Familial Thoracic Aortic Aneurysms and Dissections. Identifiers: MedGen CN229799.

Submissions (6):

Labcorp Genetics (formerly Invitae), Labcorp
Classification: Pathogenic for Marfan syndrome; Familial thoracic aortic aneurysm and aortic dissection. Last evaluated: 2025-01-28. Review status: criteria provided, single submitter. Criteria: Invitae Variant Classification Sherloc (09022015). Collection method: clinical testing. Allele origin: germline.
Comment: This sequence change replaces cysteine, which is neutral and slightly polar, with tyrosine, which is neutral and polar, at codon 908 of the FBN1 protein (p.Cys908Tyr). This variant is not present in population databases (gnomAD no frequency). This missense change has been observed in individual(s) with thoracic aortic aneurysm and dissection (PMID: 11170092, 18471089, 33824467). It has also been observed to segregate with disease in related individuals. ClinVar contains an entry for this variant (Variation ID: 519733). Invitae Evidence Modeling of protein sequence and biophysical properties (such as structural, functional, and spatial information, amino acid conservation, physicochemical variation, residue mobility, and thermodynamic stability) indicates that this missense variant is expected to disrupt FBN1 protein function with a positive predictive value of 95%. This variant affects a cysteine residue in the EGF-like, TGFBP or hybrid motif domains of FBN1. Cysteine residues are believed to be involved in intramolecular disulfide bridges and have been shown to be important for FBN1 protein structure (PMID: 16905551, 19349279). In addition, missense substitutions affecting cysteine residues within these domains are significantly overrepresented among patients with Marfan syndrome (PMID: 16571647, 17701892). For these reasons, this variant has been classified as Pathogenic.

CeGaT Center for Human Genetics Tuebingen
Classification: Pathogenic. Last evaluated: 2019-02-01. Review status: criteria provided, single submitter. Criteria: CeGaT Center For Human Genetics Tuebingen Variant Classification Criteria Version 2. Collection method: clinical testing. Allele origin: germline. Affected: yes. Observed: 1 variant allele.

Women's Health and Genetics/Laboratory Corporation of America, LabCorp
Classification: Pathogenic for Marfan Syndrome/Loeys-Dietz Syndrome/Familial Thoracic Aortic Aneurysms and Dissections. Last evaluated: 2018-09-05. Review status: criteria provided, single submitter. Criteria: LabCorp Variant Classification Summary - May 2015. Collection method: clinical testing. Allele origin: germline.
Comment: Variant summary: FBN1 c.2723G>A (p.Cys908Tyr) results in a non-conservative amino acid change located to the second hybrid motif (Li 2008) in the encoded protein sequence. Five of five in-silico tools predict a damaging effect of the variant on protein function. The variant was absent in 246192 control chromosomes (gnomAD and publication data). The variant, c.2723G>A, has been reported in the literature in multiple individuals affected with Marfan Syndrome (Judge 2001, Li 2008). The variant was shown to segregate with the disease in these two families, with all the patients having somewhat atypical (i.e. mild to moderate) features. These data indicate that the variant is very likely to be associated with disease. To our knowledge, no experimental evidence demonstrating an impact on protein function has been reported. One clinical diagnostic laboratory has submitted clinical-significance assessments for this variant to ClinVar after 2014 without evidence for independent evaluation and classified the variant as pathogenic. Based on the evidence outlined above, the variant was classified as pathogenic.

Department of Vascular Biology, Beijing Anzhen Hospital
Classification: Likely pathogenic for Isolated thoracic aortic aneurysm. Last evaluated: 2018-09-01. Review status: criteria provided, single submitter. Criteria: ACMG Guidelines, 2015. Collection method: research. Allele origin: germline. Affected: yes.

Ambry Genetics
Classification: Pathogenic for Familial thoracic aortic aneurysm and aortic dissection. Last evaluated: 2016-08-23. Review status: criteria provided, single submitter. Criteria: Ambry Variant Classification Scheme 2023. Collection method: clinical testing. Allele origin: germline.
Comment: The p.C908Y pathogenic mutation (also known as c.2723G>A), located in coding exon 22 of the FBN1 gene, results from a G to A substitution at nucleotide position 2723. The cysteine at codon 908 is replaced by tyrosine, an amino acid with highly dissimilar properties, and is located in the hybrid motif #02 domain. This alteration was shown to segregate with Marfan syndrome (MFS) in several members of a family. The proband, who was reported to also have MFS, did not carry this alteration, but the clinical diagnosis was described as debatable (Judge DP et al. Am J Med Genet. 2001;99:39-47). This alteration has also been reported in individuals with ectopia lentis or thoracic aortic aneurysm and dissection (Li D et al. Genet Test. 2008;12:325-30; Wang WJ et al. J Mol Med. 2013;91:37-47). Alterations at the same amino acid position, C905G and C908R, have also been detected in patients with MFS (Haine E et al. J Bone Miner Res. 2015;30:1369-76; Katzke S et al. Hum Mutat. 2002;20:197-208; Stheneur C et al. Eur J Hum Genet. 2009;17:1121-8). The majority of FBN1 mutations identified to date have involved the substitution or generation of cysteine residues within cbEGF domains (Vollbrandt T et al. J Biol Chem. 2004;279(31):32924-32931). And internal structural analysis indicates that p.C908Y eliminates a conserved disulfide motif in TB-hybrid domain 2 of fibrillin-1, which is expected to result in a more dynamic structure in this part of the protein (Jensen SA et al. Structure. 2009;17:759-68). Based on the available evidence, C908Y is classified as a pathogenic mutation.

PreventionGenetics, part of Exact Sciences
Classification: Pathogenic for FBN1-related condition. Last evaluated: 2024-06-21. Review status: no assertion criteria provided. Collection method: clinical testing. Allele origin: germline. Not counted in ClinVar's aggregate classification.
Comment: The FBN1 c.2723G>A variant is predicted to result in the amino acid substitution p.Cys908Tyr. This variant has been reported in multiple unrelated individuals with Marfan syndrome or related phenotypes and found to segregate within families. Of note, intrafamilial phenotypic variability has been documented for this variant (Judge et al. 2001. PubMed ID: 11170092; Li et al. 2008. PubMed ID: 18471089; Table S3, Li et al. 2021. PubMed ID: 33824467). This variant has not been reported in a large population database, indicating this variant is rare. Different nucleotide substitutions affecting the same amino acid (p.Cys908Gly, p.Cys908Arg, p.Cys908Trp, and p.Cys908Ser) have been reported in individuals with Marfan syndrome or related phenotypes (Human Gene Mutation Database). Taken together, the c.2723G>A (p.Cys908Tyr) variant is interpreted as pathogenic.

Literature cited by the submitters: PubMed 11170092 (cited by 3 submitters); PubMed 18471089 (cited by 3 submitters); PubMed 33824467 (cited by Labcorp Genetics (formerly Invitae), Labcorp); PubMed 16905551 (cited by Labcorp Genetics (formerly Invitae), Labcorp); PubMed 19349279 (cited by Labcorp Genetics (formerly Invitae), Labcorp); PubMed 16571647 (cited by Labcorp Genetics (formerly Invitae), Labcorp); PubMed 17701892 (cited by Labcorp Genetics (formerly Invitae), Labcorp); PubMed 12203992 (cited by Ambry Genetics); PubMed 19293843 (cited by Ambry Genetics); PubMed 19446531 (cited by Ambry Genetics); PubMed 22772377 (cited by Ambry Genetics); PubMed 25656438 (cited by Ambry Genetics).

NM_000138.5(FBN1):c.2723G>A (p.Cys908Tyr)

Gene: FBN1 (fibrillin 1; minus strand). Cytogenetic location: 15q21.1.
Variant type: single nucleotide variant.
Coding change: c.2723G>A on transcript NM_000138.5 (MANE Select); coding-DNA position 2723, G replaced by A.
Protein change: p.Cys908Tyr; replaces cysteine 908 with tyrosine.
Molecular consequence: missense variant.
Genome position (GRCh38, 1-based): chr15:48,494,209, C>T on the plus strand (G>A on the coding strand, the complement: FBN1 is on the minus strand). VCF-style: chr15-48494209-C-T. GRCh37 (hg19) VCF-style: chr15-48786406-C-T.
Other names: short protein forms C908Y.
Identifiers: ClinVar variation 519733 (VCV000519733.50), dbSNP rs1057523406, ClinGen allele CA392331594.
Genomic context (GRCh38, chr15:48,494,209, plus strand): 5'-CACAAACATTCATTATGCACACAAAAATGTATGGTTTATAAGTAATCAGAAATACCTTCA[C>T]ATTGTGTTCCTTTAATTCTTGAGTACCCTTTACCACATATGGGATCTGTAATAAAAAGCG-3'
Protein context (NP_000129.3, residues 898-918): KGYSRIKGTQ[Cys908Tyr]EDIDECEVFP